The following is an entry in ClinVar:

NM_152672.6(SLC51A):c.663C>T (p.Ile221=)

Gene: SLC51A (solute carrier family 51 member A; plus strand). Cytogenetic location: 3q29.
Variant type: single nucleotide variant.
Coding change: c.663C>T on transcript NM_152672.6 (MANE Select); coding-DNA position 663, C replaced by T.
Protein change: p.Ile221=; no amino-acid change (isoleucine 221 retained).
Molecular consequence: synonymous variant.
Genome position (GRCh38, 1-based): chr3:196,229,944, C>T. VCF-style: chr3-196229944-C-T. GRCh37 (hg19) VCF-style: chr3-195956815-C-T.
Identifiers: ClinVar variation 3352044 (VCV003352044.1).

ClinVar aggregate classification (germline): Likely benign (0 of 4 stars; one submission).

Conditions:
SLC51A-related disorder. Also called: SLC51A-related condition.

gnomAD v4.1: 93 of 1,612,666 alleles (0.0058%); highest among the groups gnomAD compares: Admixed American, 0.027%; no homozygotes.

Submission:

PreventionGenetics, part of Exact Sciences
Classification: Likely benign for SLC51A-related condition. Last evaluated: 2024-08-22. Review status: no assertion criteria provided. Collection method: clinical testing. Allele origin: germline.
Comment: This variant is classified as likely benign based on ACMG/AMP sequence variant interpretation guidelines (Richards et al. 2015 PMID: 25741868, with internal and published modifications).